The following is an entry in ClinVar:

NM_000037.4(ANK1):c.1428T>A (p.Cys476Ter)

Gene: ANK1 (ankyrin 1; minus strand). Cytogenetic location: 8p11.21.
Variant type: single nucleotide variant.
Coding change: c.1428T>A on transcript NM_000037.4 (MANE Select); coding-DNA position 1428, T replaced by A.
Protein change: p.Cys476Ter; replaces cysteine 476 with a stop codon.
Molecular consequence: nonsense.
Genome position (GRCh38, 1-based): chr8:41,715,826, A>T on the plus strand (T>A on the coding strand, the complement: ANK1 is on the minus strand). VCF-style: chr8-41715826-A-T. GRCh37 (hg19) VCF-style: chr8-41573344-A-T.
Other names: c.1527T>A, p.Cys509Ter (NM_001142446.2); c.1428T>A, p.Cys476Ter (NM_020475.3, NM_020476.3, NM_020477.3); short protein forms C476*, C509*.
Identifiers: ClinVar variation 5043472 (VCV005043472.1).

ClinVar aggregate classification (germline): Likely pathogenic (1 of 4 stars; one submission).

Conditions:
Hereditary spherocytosis type 1. Also called: Spherocytosis type 1; ANK1-Related Spherocytosis. Identifiers: Orphanet 822, MedGen C2674218, MONDO:0008447, OMIM 182900.

Submission:

MVZ Martinsried, Medicover Genetics
Classification: Likely pathogenic for Hereditary spherocytosis type 1. Last evaluated: 2026-05-05. Review status: criteria provided, single submitter. Criteria: ClinGen Variant Curation SOP V3.2 + Classification Guidance July2025. Collection method: clinical testing. Allele origin: unknown. Observed: 1 heterozygote.
Comment: PVS1, PM2_Supporting